The following is an entry in ClinVar:

NM_006531.5(IFT88):c.-7+747C>T

Gene: IFT88 (intraflagellar transport 88; plus strand). Cytogenetic location: 13q12.11.
Variant type: single nucleotide variant.
Coding change: c.-7+747C>T on transcript NM_006531.5 (MANE Select); 747 bases into the intron after 7 bases upstream of the start codon, C replaced by T.
Molecular consequence: intron variant.
Genome position (GRCh38, 1-based): chr13:20,568,003, C>T. VCF-style: chr13-20568003-C-T. GRCh37 (hg19) VCF-style: chr13-21142142-C-T.
Other names: c.21+6C>T (NM_001318493.2, NM_175605.5, NM_001353570.2 and 6 more transcripts); c.-138+6C>T (NM_001353568.2); c.-7+747C>T (NM_001353572.2, NM_001353571.2, NM_001353578.2 and 4 more transcripts); c.-570+747C>T (NM_001353579.2).
Identifiers: ClinVar variation 4755056 (VCV004755056.1).
Genomic context (GRCh38, chr13:20,568,003, plus strand): 5'-GCCACATCGGAAGAAGAATTGTCTTGGGCCACACATGAAATTCACAAACACTAAGGTAGC[C>T]GATGAGCTTTAAAAAAAATCGCAAAAAAGAATCTCATAATGCTTCCAGAAAGTTTACGAA-3'

ClinVar aggregate classification (germline): Uncertain significance (1 of 4 stars; one submission).

gnomAD v4.1: 8 of 712,960 alleles (0.0011%); highest among the groups gnomAD compares: Admixed American, 0.008%; no homozygotes.

Submission:

Labcorp Genetics (formerly Invitae), Labcorp
Classification: Uncertain significance. Last evaluated: 2025-10-15. Review status: criteria provided, single submitter. Criteria: Invitae Variant Classification Sherloc (09022015). Collection method: clinical testing. Allele origin: germline.
Comment: This sequence change falls in intron 3 of the IFT88 gene. It does not directly change the encoded amino acid sequence of the IFT88 protein. It affects a nucleotide within the consensus splice site. The frequency data for this variant in the population databases is considered unreliable, as metrics indicate poor data quality at this position in the gnomAD database. This variant has not been reported in the literature in individuals affected with IFT88-related conditions. Variants that disrupt the consensus splice site are a relatively common cause of aberrant splicing (PMID: 17576681, 9536098). Algorithms developed to predict the effect of sequence changes on RNA splicing suggest that this variant is not likely to affect RNA splicing. In summary, the available evidence is currently insufficient to determine the role of this variant in disease. Therefore, it has been classified as a Variant of Uncertain Significance.

Literature cited by the submitters: PubMed 17576681; PubMed 9536098.